The following is an entry in ClinVar:

NM_182961.4(SYNE1):c.9147-13G>A

Gene: SYNE1 (spectrin repeat containing nuclear envelope protein 1; minus strand). Cytogenetic location: 6q25.2.
Variant type: single nucleotide variant.
Coding change: c.9147-13G>A on transcript NM_182961.4 (MANE Select); 13 bases into the intron before coding-DNA position 9147, G replaced by A.
Molecular consequence: intron variant.
Genome position (GRCh38, 1-based): chr6:152,376,571, C>T on the plus strand (G>A on the coding strand, the complement: SYNE1 is on the minus strand). VCF-style: chr6-152376571-C-T. GRCh37 (hg19) VCF-style: chr6-152697706-C-T.
Other names: c.9168-13G>A (NM_033071.5).
Identifiers: ClinVar variation 262202 (VCV000262202.25), dbSNP rs214955, ClinGen allele CA4057385.
Genomic context (GRCh38, chr6:152,376,571, plus strand): 5'-AAAATCTGTTCTTTATTCTGGCAGCCCTTGGATGCTTGCAAACAAAGACTGAAAAGGTGA[C>T]GCAAAAATTTAATGGCAGGAAAAAGCGATAAAGTTGATGAAAATCATGTTTGATAGAATC-3'

ClinVar aggregate classification (germline): Benign. Review status: criteria provided, multiple submitters, no conflicts (2 of 4 stars). 13 submissions from 10 submitters: Benign (9). 4 of the submissions do not count toward it. Last evaluated 2026-02-03.

Conditions:
Arthrogryposis multiplex congenita 3, myogenic type. Also called: ARTHROGRYPOSIS MULTIPLEX CONGENITA, MYOGENIC TYPE. Identifiers: MedGen C5193121, MONDO:0032778, OMIM 618484.
Emery-Dreifuss muscular dystrophy 4, autosomal dominant (EDMD4). Also called: EMERY-DREIFUSS MUSCULAR DYSTROPHY 4 WITH VARIABLE FEATURES. Identifiers: Orphanet 261, MedGen C2751807, MONDO:0013071, OMIM 612998.
Autosomal recessive ataxia, Beauce type. Also called: Spinocerebellar ataxia, autosomal recessive 8; ATAXIA, RECESSIVE, OF BEAUCE; SYNE1-Related Autosomal Recessive Cerebellar Ataxia; SYNE1 Deficiency. Identifiers: Orphanet 88644, MedGen C1853116, MONDO:0012549, OMIM 610743.

Allele frequency attached by ClinVar (database versions not stated): ESP Exome Variant Server 0.48831; gnomAD 0.49738 and 0.50013; TOPMed 0.49816; 1000 Genomes Project 30x 0.52748; 1000 Genomes Project 0.52915.
gnomAD v4.1: 763,402 of 1,611,968 alleles (47%); highest among the groups gnomAD compares: Middle Eastern, 59%; 182,814 homozygotes.

Submissions (13):

Labcorp Genetics (formerly Invitae), Labcorp
Classification: Benign for Emery-Dreifuss muscular dystrophy 4, autosomal dominant; Autosomal recessive ataxia, Beauce type. Last evaluated: 2026-02-03. Review status: criteria provided, single submitter. Criteria: Invitae Variant Classification Sherloc (09022015). Collection method: clinical testing. Allele origin: germline.

Blueprint Genetics
Classification: Benign. Last evaluated: 2024-11-27. Review status: criteria provided, single submitter. Criteria: ACMG Guidelines, 2015. Collection method: clinical testing. Allele origin: germline.

Genome-Nilou Lab
Classification: Benign for Emery-Dreifuss muscular dystrophy 4, autosomal dominant. Last evaluated: 2021-07-15. Review status: criteria provided, single submitter. Criteria: ACMG Guidelines, 2015. Collection method: clinical testing. Allele origin: germline. Affected: no.

Genome-Nilou Lab
Classification: Benign for Autosomal recessive ataxia, Beauce type. Last evaluated: 2021-07-15. Review status: criteria provided, single submitter. Criteria: ACMG Guidelines, 2015. Collection method: clinical testing. Allele origin: germline. Affected: no.

Genome-Nilou Lab
Classification: Benign for Arthrogryposis multiplex congenita 3, myogenic type. Last evaluated: 2021-07-15. Review status: criteria provided, single submitter. Criteria: ACMG Guidelines, 2015. Collection method: clinical testing. Allele origin: germline. Affected: no.

Illumina Laboratory Services, Illumina
Classification: Benign for Autosomal recessive ataxia, Beauce type. Last evaluated: 2018-01-12. Review status: criteria provided, single submitter. Criteria: ICSL Variant Classification Criteria 13 December 2019. Collection method: clinical testing. Allele origin: germline.
Comment: This variant was observed in the ICSL laboratory as part of a predisposition screen in an ostensibly healthy population. It had not been previously curated by ICSL or reported in the Human Gene Mutation Database (HGMD: prior to June 1st, 2018), and was therefore a candidate for classification through an automated scoring system. Utilizing variant allele frequency, disease prevalence and penetrance estimates, and inheritance mode, an automated score was calculated to assess if this variant is too frequent to cause the disease. Based on the score and internal cut-off values, a variant classified as benign is not then subjected to further curation. The score for this variant resulted in a classification of benign for this disease.

Illumina Laboratory Services, Illumina
Classification: Benign for Emery-Dreifuss muscular dystrophy 4, autosomal dominant. Last evaluated: 2018-01-12. Review status: criteria provided, single submitter. Criteria: ICSL Variant Classification Criteria 13 December 2019. Collection method: clinical testing. Allele origin: germline.
Comment: the same text as in the submission from Illumina Laboratory Services, Illumina above.

GeneDx
Classification: Benign. Last evaluated: 2016-01-25. Review status: criteria provided, single submitter. Criteria: GeneDx Variant Classification (06012015). Collection method: clinical testing. Allele origin: germline. Affected: yes.
Comment: This variant is considered likely benign or benign based on one or more of the following criteria: it is a conservative change, it occurs at a poorly conserved position in the protein, it is predicted to be benign by multiple in silico algorithms, and/or has population frequency not consistent with disease.

PreventionGenetics, part of Exact Sciences
Classification: Benign. Review status: criteria provided, single submitter. Criteria: ACMG Guidelines, 2015. Collection method: clinical testing. Allele origin: germline.

Clinical Genetics DNA and cytogenetics Diagnostics Lab, Erasmus MC, Erasmus Medical Center
Classification: Benign. Review status: no assertion criteria provided. Collection method: clinical testing. Allele origin: germline. Affected: yes. Study: VKGL Data-share Consensus. Not counted in ClinVar's aggregate classification.

Clinical Genetics, Academic Medical Center
Classification: Benign. Review status: no assertion criteria provided. Collection method: clinical testing. Allele origin: germline. Affected: yes. Study: VKGL Data-share Consensus. Not counted in ClinVar's aggregate classification.

Diagnostic Laboratory, Department of Genetics, University Medical Center Groningen
Classification: Benign. Review status: no assertion criteria provided. Collection method: clinical testing. Allele origin: germline. Affected: yes. Study: VKGL Data-share Consensus. Not counted in ClinVar's aggregate classification.

Joint Genome Diagnostic Labs from Nijmegen and Maastricht, Radboudumc and MUMC+
Classification: Benign. Review status: no assertion criteria provided. Collection method: clinical testing. Allele origin: germline. Affected: yes. Study: VKGL Data-share Consensus. Not counted in ClinVar's aggregate classification.